The following is an entry in ClinVar:

ClinVar aggregate classification (germline): Uncertain significance (0 of 4 stars; one submission).

Conditions:
SLC25A13-related disorder. Also called: SLC25A13-related condition.

gnomAD v4.1: 2 of 1,613,992 alleles (0.00012%); no homozygotes.

Submission:

PreventionGenetics, part of Exact Sciences
Classification: Uncertain significance for SLC25A13-related condition. Last evaluated: 2024-04-17. Review status: no assertion criteria provided. Collection method: clinical testing. Allele origin: germline.
Comment: The SLC25A13 c.572G>A variant is predicted to result in the amino acid substitution p.Arg191His. To our knowledge, this variant has not been reported in the literature. This variant is reported in 0.0062% of alleles in individuals of African descent in gnomAD. At this time, the clinical significance of this variant is uncertain due to the absence of conclusive functional and genetic evidence.

NM_014251.3(SLC25A13):c.572G>A (p.Arg191His)

Gene: SLC25A13 (solute carrier family 25 member 13; minus strand). Cytogenetic location: 7q21.3.
Variant type: single nucleotide variant.
Coding change: c.572G>A on transcript NM_014251.3 (MANE Select); coding-DNA position 572, G replaced by A.
Protein change: p.Arg191His; replaces arginine 191 with histidine.
Molecular consequence: missense variant. On other transcripts: non-coding transcript variant (1).
Genome position (GRCh38, 1-based): chr7:96,193,080, C>T on the plus strand (G>A on the coding strand, the complement: SLC25A13 is on the minus strand). VCF-style: chr7-96193080-C-T. GRCh37 (hg19) VCF-style: chr7-95822392-C-T.
Other names: c.572G>A, p.Arg191His (NM_001160210.2); short protein forms R191H.
Identifiers: ClinVar variation 3351060 (VCV003351060.1).